The following is an entry in ClinVar:

ClinVar aggregate classification (germline): Uncertain significance. Review status: criteria provided, single submitter (1 of 4 stars). 2 submissions from 2 submitters: Uncertain significance (1). 1 of the submissions does not count toward it. Last evaluated 2022-10-05.

Conditions:
ADAMTSL4-related disorder. Also called: ADAMTSL4-related condition; ADAMTSL4-Related Disorders.

Allele frequency attached by ClinVar (database versions not stated): gnomAD exomes 0.00004; ExAC 0.00019; 1000 Genomes Project 0.00020; 1000 Genomes Project 30x 0.00031; gnomAD 0.00044; TOPMed 0.00046; ESP Exome Variant Server 0.00062.
gnomAD v4.1: 129 of 1,555,022 alleles (0.0083%); highest among the groups gnomAD compares: African/African-American, 0.15%; no homozygotes.

Submissions (2):

GeneDx
Classification: Uncertain significance. Last evaluated: 2022-10-05. Review status: criteria provided, single submitter. Criteria: GeneDx Variant Classification Process June 2021. Collection method: clinical testing. Allele origin: germline. Affected: yes.
Comment: Nucleotide substitution has no predicted effect on splicing and is not conserved across species; Has not been previously published as pathogenic or benign to our knowledge

PreventionGenetics, part of Exact Sciences
Classification: Likely benign for ADAMTSL4-related condition. Last evaluated: 2024-08-03. Review status: no assertion criteria provided. Collection method: clinical testing. Allele origin: germline. Not counted in ClinVar's aggregate classification.
Comment: This variant is classified as likely benign based on ACMG/AMP sequence variant interpretation guidelines (Richards et al. 2015 PMID: 25741868, with internal and published modifications).

NM_019032.6(ADAMTSL4):c.-1G>A

Genes: ADAMTSL4 (ADAMTS like 4; plus strand), ADAMTSL4-AS2 (ADAMTSL4 antisense RNA 2; minus strand). Cytogenetic location: 1q21.2.
Variant type: single nucleotide variant.
Coding change: c.-1G>A on transcript NM_019032.6 (MANE Select); 1 bases upstream of the start codon, G replaced by A.
Molecular consequence: 5 prime UTR variant.
Genome position (GRCh38, 1-based): chr1:150,552,288, G>A. VCF-style: chr1-150552288-G-A. GRCh37 (hg19) VCF-style: chr1-150524764-G-A.
Other names: c.-1G>A (NM_001288607.2, NM_001288608.2, NM_001378596.1 and 2 more transcripts).
Identifiers: ClinVar variation 2497863 (VCV002497863.2), dbSNP rs372594537, ClinGen allele CA1077823.
Genomic context (GRCh38, chr1:150,552,288, plus strand): 5'-CCTGCGTAGTTTTTGTGACCAGTCCGCTCCTGCCTCCCCCTGGGGCAGTAGAGGGGGAGC[G>A]ATGGAGAACTGGACTGGCAGGTGAGAGAAGGGGCCACGGGTTGGGGGGGAGGAAAAGGGG-3'